The following is an entry in ClinVar:

NM_080732.4(EGLN2):c.794G>T (p.Arg265Leu)

Genes: EGLN2 (egl-9 family hypoxia inducible factor 2; plus strand), RAB4B-EGLN2 (RAB4B-EGLN2 readthrough (NMD candidate); plus strand). Cytogenetic location: 19q13.2.
Variant type: single nucleotide variant.
Coding change: c.794G>T on transcript NM_080732.4 (MANE Select); coding-DNA position 794, G replaced by T.
Protein change: p.Arg265Leu; replaces arginine 265 with leucine.
Molecular consequence: missense variant. On other transcripts: non-coding transcript variant (1).
Genome position (GRCh38, 1-based): chr19:40,801,366, G>T. VCF-style: chr19-40801366-G-T. GRCh37 (hg19) VCF-style: chr19-41307271-G-T.
Other names: c.794G>T, p.Arg265Leu (NM_053046.4); short protein forms R265L.
Identifiers: ClinVar variation 3229018 (VCV003229018.1), dbSNP rs765668251, ClinGen allele CA405955991.

ClinVar aggregate classification (germline): Uncertain significance (1 of 4 stars; one submission).

Submission:

Ambry Genetics
Classification: Uncertain significance. Last evaluated: 2023-12-04. Review status: criteria provided, single submitter. Criteria: Ambry Variant Classification Scheme 2023. Collection method: clinical testing. Allele origin: germline.
Comment: The p.R265L variant (also known as c.794G>T), located in coding exon 1 of the EGLN2 gene, results from a G to T substitution at nucleotide position 794. The arginine at codon 265 is replaced by leucine, an amino acid with dissimilar properties. This amino acid position is conserved. In addition, this alteration is predicted to be tolerated by in silico analysis. Since supporting evidence is limited at this time, the clinical significance of this alteration remains unclear.